The following is an entry in ClinVar:

NM_000137.4(FAH):c.572_577delinsTCCAA (p.Gly191fs)

Gene: FAH (fumarylacetoacetate hydrolase; plus strand). Cytogenetic location: 15q25.1.
Variant type: Indel.
Coding change: c.572_577delinsTCCAA on transcript NM_000137.4 (MANE Select); coding-DNA positions 572 to 577, GTGCCT replaced by TCCAA.
Protein change: p.Gly191fs; shifts the reading frame from glycine 191.
Molecular consequence: frameshift variant.
Genome position (GRCh38, 1-based): chr15:80,168,282-80,168,287, GTGCCT replaced by TCCAA. VCF-style: chr15-80168282-GTGCCT-TCCAA. GRCh37 (hg19) VCF-style: chr15-80460624-GTGCCT-TCCAA.
Other names: c.572_577delinsTCCAA (NM_000137.2); c.572_577delinsTCCAA, p.Gly191fs (NM_001374377.1, NM_001374380.1); short protein forms G191fs.
Identifiers: ClinVar variation 2503886 (VCV002503886.2), dbSNP rs2505850609, ClinGen allele CA2580613299.

ClinVar aggregate classification (germline): Likely pathogenic. Review status: criteria provided, multiple submitters, no conflicts (2 of 4 stars). 2 submissions from 2 submitters: Likely pathogenic (2). Last evaluated 2023-08-09.

Conditions:
Tyrosinemia type I (TYRSN1). Also called: Tyrosinemia type 1; Fumarylacetoacetase deficiency; Deficiency of fumarylacetoacetase; HEPATORENAL TYROSINEMIA; FAH DEFICIENCY. Identifiers: Orphanet 882, MedGen C0268490, MONDO:0010161, OMIM 276700. Disease mechanism: loss of function.

Submissions (2):

Baylor Genetics
Classification: Likely pathogenic for Tyrosinemia type I. Last evaluated: 2023-08-09. Review status: criteria provided, single submitter. Criteria: ACMG Guidelines, 2015. Collection method: clinical testing. Allele origin: unknown.

Women's Health and Genetics/Laboratory Corporation of America, LabCorp
Classification: Likely pathogenic for Tyrosinemia type I. Last evaluated: 2023-04-11. Review status: criteria provided, single submitter. Criteria: LabCorp Variant Classification Summary - May 2015. Collection method: clinical testing. Allele origin: germline.
Comment: Variant summary: FAH c.572_577delinsTCCAA (p.Gly191ValfsX16) results in a premature termination codon, predicted to cause a truncation of the encoded protein or absence of the protein due to nonsense mediated decay, which are commonly known mechanisms for disease. Truncations downstream of this position have been classified as pathogenic by our laboratory. The variant was absent in 250434 control chromosomes (gnomAD). To our knowledge, no occurrence of c.572_577delinsTCCAA in individuals affected with Tyrosinemia Type 1 and no experimental evidence demonstrating its impact on protein function have been reported. No clinical diagnostic laboratories have submitted clinical-significance assessments for this variant to ClinVar after 2014. Based on the evidence outlined above, the variant was classified as likely pathogenic.